The following is an entry in ClinVar:

ClinVar aggregate classification (germline): Pathogenic. Review status: criteria provided, multiple submitters, no conflicts (2 of 4 stars). 15 submissions from 15 submitters: Pathogenic (10). 5 of the submissions do not count toward it. Last evaluated 2025-10-23.

Conditions:
Timothy syndrome (TS). Also called: LONG QT SYNDROME WITH SYNDACTYLY. Identifiers: Orphanet 65283, MedGen C1832916, MeSH C536962, MONDO:0010979, OMIM 601005.
Long QT syndrome 8. Identifiers: MedGen CN260585, MONDO:0032756, OMIM 618447.
Brugada syndrome 3 (BRGDA3). Identifiers: Orphanet 130, MedGen C2678478, MONDO:0012742, OMIM 611875.
Neurodevelopmental disorder with hypotonia, language delay, and skeletal defects with or without seizures (NEDHLSS). Identifiers: MedGen C5774213, MONDO:0859286, OMIM 620029.
CACNA1C-related disorder. Also called: CACNA1C-related disorders; CACNA1C-related condition. Identifiers: MedGen CN381092, MONDO:0700321.
Cardiovascular phenotype. Identifiers: MedGen CN230736.
Familial long QT syndrome (RWS). Also called: Romano-Ward syndrome; VENTRICULAR FIBRILLATION WITH PROLONGED QT INTERVAL; Congenital long QT syndrome. Identifiers: Orphanet 768, MedGen C1141890, MONDO:0019171.
Long QT syndrome (LQTS). Identifiers: MedGen C0023976, MeSH D008133, MONDO:0002442. Disease mechanism: loss of function. Inheritance: Various modes of inheritance.

Allele frequency attached by ClinVar (database versions not stated): gnomAD 0.00001; 1000 Genomes Project 30x 0.00016.

Submissions 1 to 9 of 15:

Variantyx, Inc.
Classification: Pathogenic for Timothy syndrome. Last evaluated: 2025-10-23. Review status: criteria provided, single submitter. Criteria: Variantyx Assertion Criteria 2022. Collection method: clinical testing. Allele origin: de novo. Inheritance: Autosomal dominant inheritance. Affected: yes.
Comment: This is a nonsynonymous variant in the CACNA1C gene (OMIM: 114205). Pathogenic variants in this gene have been associated with autosomal dominant Timothy syndrome. This variant has been reported in several unrelated affected individuals (PMID: 15454078, 28371864, 23690510, 28211989) (PS4). Multiple computational algorithms predict a deleterious effect for this variant (REVEL score: 0.965) (PP3). The variant has a 0.0055% maximum allele frequency in non-founder control populations (PM2). Based on the current evidence, this variant is classified as pathogenic for autosomal dominant Timothy syndrome.

PreventionGenetics, part of Exact Sciences
Classification: Pathogenic for CACNA1C-related condition. Last evaluated: 2025-02-15. Review status: criteria provided, single submitter. Criteria: ACMG Guidelines, 2015. Collection method: clinical testing. Allele origin: germline.
Comment: The CACNA1C c.1216G>A variant is predicted to result in the amino acid substitution p.Gly406Arg. This variant has been reported in numerous individuals with Timothy syndrome, including many de novo cases (see for example, Splawski et al. 2004. PubMed ID: 15454078; Walsh et al. 2018. PubMed ID: 28371864; Timothy et al. 2024. PubMed ID: 39580446). Functional studies showed that this variant impacts protein functions (Splawski et al. 2004. PubMed ID: 15454078; Krey et al. 2013. PubMed ID: 23313911). This variant has not been reported in a large population database (gnomAD), indicating this variant is rare. This variant is interpreted as pathogenic.

GeneDx
Classification: Pathogenic. Last evaluated: 2024-02-23. Review status: criteria provided, single submitter. Criteria: GeneDx Variant Classification Process June 2021. Collection method: clinical testing. Allele origin: germline. Affected: yes.
Comment: Not observed at significant frequency in large population cohorts (gnomAD); Published functional studies demonstrate G406R reduces channel inactivation, leading to aberrant intracellular calcium levels in multiple tissues (PMID: 15454078); In silico analysis supports that this missense variant has a deleterious effect on protein structure/function; This variant is associated with the following publications: (PMID: 19074970, 26822303, 23580742, 27593853, 17224476, 29739816, 30027834, 21910241, 23631430, 23678275, 23313911, 21878566, 28211989, 15454078, 30023270, 22581653, 15863612, 16360093, 28718902, 29845439, 30513141, 30530868, 31737537, 34079780, 28371864, 27034553, 23690510, 31805042, 32161207, 27868338, 30384889, 30998997, 31395954)

Baylor Genetics
Classification: Pathogenic for Long QT syndrome 8. Last evaluated: 2024-02-16. Review status: criteria provided, single submitter. Criteria: ACMG Guidelines, 2015. Collection method: clinical testing. Allele origin: unknown.

Labcorp Genetics (formerly Invitae), Labcorp
Classification: Pathogenic for Long QT syndrome. Last evaluated: 2022-09-13. Review status: criteria provided, single submitter. Criteria: Invitae Variant Classification Sherloc (09022015). Collection method: clinical testing. Allele origin: germline.
Comment: For these reasons, this variant has been classified as Pathogenic. Algorithms developed to predict the effect of sequence changes on RNA splicing suggest that this variant may create or strengthen a splice site. Experimental studies have shown that this missense change affects CACNA1C function (PMID: 15454078, 15863612, 18250309, 19074970, 26822303). Algorithms developed to predict the effect of missense changes on protein structure and function are either unavailable or do not agree on the potential impact of this missense change (SIFT: "Deleterious"; PolyPhen-2: "Probably Damaging"; Align-GVGD: "Class C15"). ClinVar contains an entry for this variant (Variation ID: 17632). This missense change has been observed in individual(s) with Timothy syndrome (PMID: 15454078, 15863612, 21910241, 23578275, 23580742, 23690510, 26227324). In at least one individual the variant was observed to be de novo. This variant is not present in population databases (gnomAD no frequency). This sequence change replaces glycine, which is neutral and non-polar, with arginine, which is basic and polar, at codon 406 of the CACNA1C protein (p.Gly406Arg).

Ambry Genetics
Classification: Pathogenic for Cardiovascular phenotype. Last evaluated: 2022-05-03. Review status: criteria provided, single submitter. Criteria: Ambry Variant Classification Scheme 2023. Collection method: clinical testing. Allele origin: germline.
Comment: The p.G406R pathogenic mutation (also known as c.1216G>A), located in coding exon 8A of the CACNA1C gene, results from a G to A substitution at nucleotide position 1216. The glycine at codon 406 is replaced by arginine, an amino acid with dissimilar properties. This mutation has been detected in numerous individuals with Timothy syndrome (TS), including de novo cases and those due to parental mosaicism; incomplete TS has been described in some cases of somatic mosaicism with this mutation (Splawski I et al. Cell, 2004 Oct;119:19-31; Etheridge SP et al. Am. J. Med. Genet. A, 2011 Oct;155A:2578-83; An HS et al. J. Korean Med. Sci., 2013 May;28:788-91;Dufendach KA et al. Pediatrics, 2013 Jun;131:e1991-5; Walsh MA et al. Europace, 2018 02;20:377-385). Functional studies demonstrated altered gating kinetics and prolonged action potential duration, while mouse models with this mutation showed neurobehavioral and brain changes consistent with TS clinical findings (Splawski I et al. Cell, 2004 Oct;119:19-31; Bader PL et al. Proc. Natl. Acad. Sci. U.S.A., 2011 Sep;108:15432-7; Krey JF et al. Nat. Neurosci., 2013 Feb;16:201-9). This variant is considered to be rare based on population cohorts in the Genome Aggregation Database (gnomAD). In addition, this alteration is predicted to be deleterious by in silico analysis. Based on the supporting evidence, this alteration is interpreted as a disease-causing mutation.

Rady Children's Institute for Genomic Medicine, Rady Children's Hospital San Diego
Classification: Pathogenic for CACNA1C-Related Disorders. Last evaluated: 2019-02-13. Review status: criteria provided, single submitter. Criteria: ACMG Guidelines, 2015. Collection method: clinical testing. Allele origin: germline. Affected: yes. Observed: 1 variant allele.
Comment: This variant is located in the last amino acid of exon 8. This variant has been previously reported in multiple studies as a de novo heterozygous change in patients with Timothy Syndrome (PMID: 28371864, 23690510, 28211989, 15454078). A functional study showed this variant impairs voltage-dependent channel inactivation causing maintained inward calcium currents (PMID: 15454078). It is absent from the ExAC and gnomAD population databases and thus is presumed to be rare. The c.1216G>A (p.Gly406Arg) variant affects a highly conserved amino acid and is predicted by multiple in silico tools to have a deleterious effect on protein function. Based on the available evidence, the c.1216G>A (p.Gly406Arg) variant is classified as pathogenic.

MVZ Martinsried, Medicover Genetics
Classification: Pathogenic for Timothy syndrome. Last evaluated: 2018-04-04. Review status: criteria provided, single submitter. Criteria: ACMG Guidelines, 2015. Collection method: clinical testing. Allele origin: de novo. Affected: yes.

Stanford Center for Inherited Cardiovascular Disease, Stanford University
Classification: Pathogenic. Last evaluated: 2016-04-25. Review status: criteria provided, single submitter. Criteria: ACMG Guidelines, 2015. Collection method: provider interpretation. Allele origin: germline.

NM_000719.7(CACNA1C):c.1216G>A (p.Gly406Arg)

Gene: CACNA1C (calcium voltage-gated channel subunit alpha1 C; plus strand). Cytogenetic location: 12p13.33.
Variant type: single nucleotide variant.
Coding change: c.1216G>A on transcript NM_000719.7 (MANE Select); coding-DNA position 1216, G replaced by A.
Protein change: p.Gly406Arg; replaces glycine 406 with arginine.
Molecular consequence: missense variant. On other transcripts: intron variant (4).
Genome position (GRCh38, 1-based): chr12:2,504,944, G>A. VCF-style: chr12-2504944-G-A. GRCh37 (hg19) VCF-style: chr12-2614110-G-A.
Other names: p.G406R:GGA>AGA; c.1216G>A, p.Gly406Arg (NM_001129827.2, NM_001129829.2, NM_001129830.3 and 14 more transcripts); c.1207G>A, p.Gly403Arg (NM_001129844.2); c.1217+405G>A (NM_001167624.3, NM_001167623.2, NM_001167625.2 and 1 more transcripts); c.1216G>A (LRG_334t1); short protein forms G406R, G403R.
Identifiers: ClinVar variation 17632 (VCV000017632.30), dbSNP rs79891110, ClinGen allele CA301246.